The following is an entry in ClinVar:

ClinVar aggregate classification (germline): Likely pathogenic (1 of 4 stars; one submission).

Conditions:
Developmental delay with or without epilepsy (DEVEP). Identifiers: MedGen C5882702, MONDO:0957815, OMIM 620540.

Submission:

Institute of Human Genetics, FAU Erlangen, Friedrich-Alexander-Universität Erlangen-Nürnberg
Classification: Likely pathogenic for Developmental delay with or without epilepsy. Last evaluated: 2025-10-06. Review status: criteria provided, single submitter. Criteria: Hauer et al. (Genet Med. 2018). Collection method: clinical testing. Allele origin: germline. Inheritance: Unknown mechanism. Affected: yes. Observed: 1 variant allele.
Comment: This variant has been identified by standard clinical testing. Selected ACMG criteria: Likely pathogenic (I):PM2;PVS1

NM_001130438.3(SPTAN1):c.6077_6078del (p.Thr2025_Phe2026insTer)

Gene: SPTAN1 (spectrin alpha, non-erythrocytic 1; plus strand). Cytogenetic location: 9q34.11.
Variant type: Deletion.
Coding change: c.6077_6078del on transcript NM_001130438.3 (MANE Select); coding-DNA positions 6077 to 6078, 2 bases deleted (TT; older notation c.6077_6078delTT).
Protein change: p.Thr2025_Phe2026insTer.
Molecular consequence: nonsense.
Genome position (GRCh38, 1-based): chr9:128,625,776-128,625,777, TT deleted; deleting any 2 consecutive bases within chr9:128,625,774-128,625,777 gives the same sequence; the c. name uses the placement nearest the transcript's 3' end. VCF-style (leftmost placement, unchanged base first): chr9-128625773-CTT-C. GRCh37 (hg19) VCF-style: chr9-131388052-CTT-C.
Other names: c.6017_6018del, p.Thr2005_Phe2006insTer (NM_001438442.1, NM_001363765.2, NM_001375314.2); c.6062_6063del, p.Thr2020_Phe2021insTer (NM_001438443.1, NM_001438445.1, NM_003127.4); c.6002_6003del, p.Thr2000_Phe2001insTer (NM_001438444.1, NM_001195532.2, NM_001438441.1); c.6077_6078del, p.Thr2025_Phe2026insTer (NM_001363759.2, NM_001375310.1, NM_001375311.2 and 1 more transcripts); c.6113_6114del, p.Thr2037_Phe2038insTer (NM_001375312.2, NM_001375318.1, NM_001438440.1).
Identifiers: ClinVar variation 4277328 (VCV004277328.1).